The following is an entry in ClinVar:

ClinVar aggregate classification (germline): Uncertain significance. Review status: criteria provided, multiple submitters, no conflicts (2 of 4 stars). 2 submissions from 2 submitters: Uncertain significance (2). Last evaluated 2025-04-11.

Conditions:
Inborn genetic diseases. Identifiers: MedGen C0950123, MeSH D030342.
CD2AP-related disorder. Also called: CD2AP-related condition.

Allele frequency attached by ClinVar (database versions not stated): ESP Exome Variant Server 0.00008.
gnomAD v4.1: 30 of 1,610,618 alleles (0.0019%); highest among the groups gnomAD compares: Non-Finnish European, 0.0025%; no homozygotes.

Submissions (2):

Ambry Genetics
Classification: Uncertain significance for Inborn genetic diseases. Last evaluated: 2025-04-11. Review status: criteria provided, single submitter. Criteria: Ambry Variant Classification Scheme 2023. Collection method: clinical testing. Allele origin: germline.

PreventionGenetics, part of Exact Sciences
Classification: Uncertain significance for CD2AP-related condition. Last evaluated: 2023-08-05. Review status: criteria provided, single submitter. Criteria: ACMG Guidelines, 2015. Collection method: clinical testing. Allele origin: germline.
Comment: The CD2AP c.1813G>A variant is predicted to result in the amino acid substitution p.Gly605Arg. To our knowledge, this variant has not been reported in the literature. This variant is reported in 0.0054% of alleles in individuals of European (Non-Finnish) descent in gnomAD. At this time, the clinical significance of this variant is uncertain due to the absence of conclusive functional and genetic evidence.

NM_012120.3(CD2AP):c.1813G>A (p.Gly605Arg)

Gene: CD2AP (CD2 associated protein; plus strand). Cytogenetic location: 6p12.3.
Variant type: single nucleotide variant.
Coding change: c.1813G>A on transcript NM_012120.3 (MANE Select); coding-DNA position 1813, G replaced by A.
Protein change: p.Gly605Arg; replaces glycine 605 with arginine.
Molecular consequence: missense variant.
Genome position (GRCh38, 1-based): chr6:47,609,303, G>A. VCF-style: chr6-47609303-G-A. GRCh37 (hg19) VCF-style: chr6-47577039-G-A.
Other names: short protein forms G605R.
Identifiers: ClinVar variation 2380519 (VCV002380519.4), dbSNP rs377096139, ClinGen allele CA3844459.
Genomic context (GRCh38, chr6:47,609,303, plus strand): 5'-GAACTTAGAGCCCAGATTATTGAATTGTTGTGCATTGTAGAAGCACTGAAAAAGGATCAC[G>A]GGTAAGTAGCCCTTCTTTTCTCCTGTGAGTACTACTTAACCCATGCATAAAGAATTTTTT-3'
Protein context (NP_036252.1, residues 595-615): CIVEALKKDH[Gly605Arg]KELEKLRKDL